The following is an entry in ClinVar:

ClinVar aggregate classification (germline): Uncertain significance (1 of 4 stars; one submission).

gnomAD v4.1: 3 of 1,548,696 alleles (0.00019%); highest among the groups gnomAD compares: Non-Finnish European, 0.00026%; no homozygotes.

Submission:

Ambry Genetics
Classification: Uncertain significance. Last evaluated: 2025-02-24. Review status: criteria provided, single submitter. Criteria: Ambry Variant Classification Scheme 2023. Collection method: clinical testing. Allele origin: germline.
Comment: The p.A594T variant (also known as c.1780G>A), located in coding exon 7 of the WNK2 gene, results from a G to A substitution at nucleotide position 1780. The alanine at codon 594 is replaced by threonine, an amino acid with similar properties. This amino acid position is conserved. In addition, this alteration is predicted to be tolerated by in silico analysis. Based on the available evidence, the clinical significance of this variant remains unclear.

NM_006648.4(WNK2):c.1780G>A (p.Ala594Thr)

Gene: WNK2 (WNK lysine deficient protein kinase 2; plus strand). Cytogenetic location: 9q22.31.
Variant type: single nucleotide variant.
Coding change: c.1780G>A on transcript NM_006648.4 (MANE Select); coding-DNA position 1780, G replaced by A.
Protein change: p.Ala594Thr; replaces alanine 594 with threonine.
Molecular consequence: missense variant.
Genome position (GRCh38, 1-based): chr9:93,247,780, G>A. VCF-style: chr9-93247780-G-A. GRCh37 (hg19) VCF-style: chr9-96010062-G-A.
Other names: c.1780G>A, p.Ala594Thr (NM_001282394.3); short protein forms A594T.
Identifiers: ClinVar variation 3817151 (VCV003817151.1).